The following is an entry in ClinVar:

ClinVar aggregate classification (germline): Conflicting classifications of pathogenicity. Review status: criteria provided, conflicting classifications (1 of 4 stars). 3 submissions from 3 submitters: Pathogenic (1); Likely pathogenic (1); Uncertain significance (1). Last evaluated 2025-07-18.

Conditions:
Charcot-Marie-Tooth disease, type I (CMT1). Also called: Charcot-Marie-Tooth disease type 1; Charcot-Marie-Tooth, Type 1. Identifiers: Orphanet 65753, MedGen C0751036, MONDO:0019011.

Submissions (3):

GeneDx
Classification: Pathogenic. Last evaluated: 2025-07-18. Review status: criteria provided, single submitter. Criteria: GeneDx Variant Classification Process June 2021. Collection method: clinical testing. Allele origin: germline. Affected: yes.
Comment: Observed in individuals with Charcot-Marie-Tooth with infantile-onset hearing loss (PMID: 26310628); In silico analysis supports that this missense variant has a deleterious effect on protein structure/function; Not observed at significant frequency in large population cohorts (gnomAD); Missense variants in this gene are a common cause of disease and they are underrepresented in the general population; Published functional studies demonstrate a damaging effect showing abnormal activation of the unfolded protein response (PMID: 29687021); This variant is associated with the following publications: (PMID: 33179255, 29687021, 20461396, 26310628)

Revvity Omics, Revvity
Classification: Likely pathogenic. Last evaluated: 2024-10-04. Review status: criteria provided, single submitter. Criteria: ACMG Guidelines, 2015. Collection method: clinical testing. Allele origin: germline.

Labcorp Genetics (formerly Invitae), Labcorp
Classification: Uncertain significance for Charcot-Marie-Tooth disease, type I. Last evaluated: 2022-07-19. Review status: criteria provided, single submitter. Criteria: Invitae Variant Classification Sherloc (09022015). Collection method: clinical testing. Allele origin: germline.
Comment: This variant disrupts the p.Ser111 amino acid residue in MPZ. Other variant(s) that disrupt this residue have been determined to be pathogenic (PMID: 19293842, 25429913, 26310628). This suggests that this residue is clinically significant, and that variants that disrupt this residue are likely to be disease-causing. Experimental studies have shown that this missense change affects MPZ function (PMID: 29687021). Algorithms developed to predict the effect of missense changes on protein structure and function (SIFT, PolyPhen-2, Align-GVGD) all suggest that this variant is likely to be disruptive. ClinVar contains an entry for this variant (Variation ID: 462794). This missense change has been observed in individual(s) with Charcot–Marie–Tooth disease type 1B (CMT1B) and/or inherited peripheral neuropathy (PMID: 26310628, 33179255). This variant is not present in population databases (gnomAD no frequency). This sequence change replaces serine, which is neutral and polar, with proline, which is neutral and non-polar, at codon 111 of the MPZ protein (p.Ser111Pro). In summary, the available evidence is currently insufficient to determine the role of this variant in disease. Therefore, it has been classified as a Variant of Uncertain Significance.

Literature cited by the submitters: PubMed 19293842 (cited by Labcorp Genetics (formerly Invitae), Labcorp); PubMed 25429913 (cited by Labcorp Genetics (formerly Invitae), Labcorp); PubMed 26310628 (cited by Labcorp Genetics (formerly Invitae), Labcorp); PubMed 29687021 (cited by Labcorp Genetics (formerly Invitae), Labcorp); PubMed 33179255 (cited by Labcorp Genetics (formerly Invitae), Labcorp).

NM_000530.8(MPZ):c.331T>C (p.Ser111Pro)

Gene: MPZ (myelin protein zero; minus strand). Cytogenetic location: 1q23.3.
Variant type: single nucleotide variant.
Coding change: c.331T>C on transcript NM_000530.8 (MANE Select); coding-DNA position 331, T replaced by C.
Protein change: p.Ser111Pro; replaces serine 111 with proline.
Molecular consequence: missense variant.
Genome position (GRCh38, 1-based): chr1:161,306,825, A>G on the plus strand (T>C on the coding strand, the complement: MPZ is on the minus strand). VCF-style: chr1-161306825-A-G. GRCh37 (hg19) VCF-style: chr1-161276615-A-G.
Other names: c.331T>C (LRG_256t1); c.331T>C, p.Ser111Pro (NM_001315491.2); short protein forms S111P.
Identifiers: ClinVar variation 462794 (VCV000462794.10), dbSNP rs1553259664, ClinGen allele CA343349296.